The following is an entry in ClinVar:

NM_000539.3(RHO):c.752C>T (p.Thr251Ile)

Gene: RHO (rhodopsin; plus strand). Cytogenetic location: 3q22.1.
Variant type: single nucleotide variant.
Coding change: c.752C>T on transcript NM_000539.3 (MANE Select); coding-DNA position 752, C replaced by T.
Protein change: p.Thr251Ile; replaces threonine 251 with isoleucine.
Molecular consequence: missense variant.
Genome position (GRCh38, 1-based): chr3:129,532,588, C>T. VCF-style: chr3-129532588-C-T. GRCh37 (hg19) VCF-style: chr3-129251431-C-T.
Other names: short protein forms T251I.
Identifiers: ClinVar variation 1976385 (VCV001976385.5), dbSNP rs1224848814, ClinGen allele CA354470291.
Genomic context (GRCh38, chr3:129,532,588, plus strand): 5'-TGCAGGCCGCTGCCCAGCAGCAGGAGTCAGCCACCACACAGAAGGCAGAGAAGGAGGTCA[C>T]CCGCATGGTCATCATCATGGTCATCGCTTTCCTGATCTGCTGGGTGCCCTACGCCAGCGT-3'
Protein context (NP_000530.1, residues 241-261): ATTQKAEKEV[Thr251Ile]RMVIIMVIAF

ClinVar aggregate classification (germline): Uncertain significance (1 of 4 stars; one submission).

Allele frequency attached by ClinVar (database versions not stated): gnomAD exomes below 0.00001; gnomAD 0.00001.

Submission:

Labcorp Genetics (formerly Invitae), Labcorp
Classification: Uncertain significance. Last evaluated: 2022-07-19. Review status: criteria provided, single submitter. Criteria: Invitae Variant Classification Sherloc (09022015). Collection method: clinical testing. Allele origin: germline.
Comment: This sequence change replaces threonine, which is neutral and polar, with isoleucine, which is neutral and non-polar, at codon 251 of the RHO protein (p.Thr251Ile). In summary, the available evidence is currently insufficient to determine the role of this variant in disease. Therefore, it has been classified as a Variant of Uncertain Significance. Algorithms developed to predict the effect of missense changes on protein structure and function are either unavailable or do not agree on the potential impact of this missense change (SIFT: "Deleterious"; PolyPhen-2: "Probably Damaging"; Align-GVGD: "Class C0"). This variant has not been reported in the literature in individuals affected with RHO-related conditions. This variant is present in population databases (no rsID available, gnomAD 0.007%).